The following is an entry in ClinVar:

ClinVar aggregate classification (germline): Uncertain significance (1 of 4 stars; one submission).

Submission:

Mayo Clinic Laboratories, Mayo Clinic
Classification: Uncertain significance. Last evaluated: 2023-03-29. Review status: criteria provided, single submitter. Criteria: ACMG Guidelines, 2015. Collection method: clinical testing. Allele origin: germline. Observed: 1 variant allele.
Comment: PP3, PM2

NM_001382.4(DPAGT1):c.296T>C (p.Ile99Thr)

Gene: DPAGT1 (dolichyl-phosphate N-acetylglucosaminephosphotransferase 1; minus strand). Cytogenetic location: 11q23.3.
Variant type: single nucleotide variant.
Coding change: c.296T>C on transcript NM_001382.4 (MANE Select); coding-DNA position 296, T replaced by C.
Protein change: p.Ile99Thr; replaces isoleucine 99 with threonine.
Molecular consequence: missense variant.
Genome position (GRCh38, 1-based): chr11:119,100,830, A>G on the plus strand (T>C on the coding strand, the complement: DPAGT1 is on the minus strand). VCF-style: chr11-119100830-A-G. GRCh37 (hg19) VCF-style: chr11-118971540-A-G.
Other names: p.Ile99Thr; short protein forms I99T.
Identifiers: ClinVar variation 2683170 (VCV002683170.1), dbSNP rs779955152, ClinGen allele CA229605245.